The following is an entry in ClinVar:

NM_020366.4(RPGRIP1):c.2895+3A>G

Gene: RPGRIP1 (RPGR interacting protein 1; plus strand). Cytogenetic location: 14q11.2.
Variant type: single nucleotide variant.
Coding change: c.2895+3A>G on transcript NM_020366.4 (MANE Select); 3 bases into the intron after coding-DNA position 2895, A replaced by G.
Molecular consequence: intron variant.
Genome position (GRCh38, 1-based): chr14:21,327,810, A>G. VCF-style: chr14-21327810-A-G. GRCh37 (hg19) VCF-style: chr14-21795969-A-G.
Other names: c.1821+3A>G (NM_001377948.1); c.981+3A>G (NM_001377949.1); c.873+3A>G (NM_001377523.1, NM_001377950.1); c.375+3A>G (NM_001377951.1).
Identifiers: ClinVar variation 1461537 (VCV001461537.6), dbSNP rs769634650, ClinGen allele CA7089365.
Genomic context (GRCh38, chr14:21,327,810, plus strand): 5'-TACCAAGGACAGTTCAAAGATCTCATCTGAAGAGGAAAAGGCTTCATTTCCTTCCCAGGT[A>G]ACTCTCCAGGACTCCACAGGTAGCAGATCTCTGCCAATCCTATGGAGCAGATTTGAAGGA-3'

ClinVar aggregate classification (germline): Uncertain significance (1 of 4 stars; one submission).

Conditions:
Leber congenital amaurosis 6 (LCA6). Identifiers: Orphanet 65, MedGen C1854260, MONDO:0013446, OMIM 613826.
Cone-rod dystrophy 13 (CORD13). Identifiers: Orphanet 1872, MedGen C2750720, MONDO:0011987, OMIM 608194.

Allele frequency attached by ClinVar (database versions not stated): gnomAD exomes below 0.00001 and 0.00001; ExAC 0.00001; gnomAD 0.00001; TOPMed 0.00001.
gnomAD v4.1: 13 of 1,586,440 alleles (0.00082%); highest among the groups gnomAD compares: African/African-American, 0.0014%; no homozygotes.

Submission:

Labcorp Genetics (formerly Invitae), Labcorp
Classification: Uncertain significance for Leber congenital amaurosis 6; Cone-rod dystrophy 13. Last evaluated: 2022-07-12. Review status: criteria provided, single submitter. Criteria: Invitae Variant Classification Sherloc (09022015). Collection method: clinical testing. Allele origin: germline.
Comment: This sequence change falls in intron 17 of the RPGRIP1 gene. It does not directly change the encoded amino acid sequence of the RPGRIP1 protein. It affects a nucleotide within the consensus splice site. This variant is present in population databases (rs769634650, gnomAD 0.004%). This variant has not been reported in the literature in individuals affected with RPGRIP1-related conditions. ClinVar contains an entry for this variant (Variation ID: 1461537). Variants that disrupt the consensus splice site are a relatively common cause of aberrant splicing (PMID: 17576681, 9536098). Algorithms developed to predict the effect of sequence changes on RNA splicing suggest that this variant may create or strengthen a splice site. In summary, the available evidence is currently insufficient to determine the role of this variant in disease. Therefore, it has been classified as a Variant of Uncertain Significance.

Literature cited by the submitters: PubMed 17576681; PubMed 9536098.